The following is an entry in ClinVar:

NM_007332.3(TRPA1):c.48G>T (p.Glu16Asp)

Gene: TRPA1 (transient receptor potential cation channel subfamily A member 1; minus strand). Cytogenetic location: 8q21.11.
Variant type: single nucleotide variant.
Coding change: c.48G>T on transcript NM_007332.3 (MANE Select); coding-DNA position 48, G replaced by T.
Protein change: p.Glu16Asp; replaces glutamic acid 16 with aspartic acid.
Molecular consequence: missense variant.
Genome position (GRCh38, 1-based): chr8:72,075,362, C>A on the plus strand (G>T on the coding strand, the complement: TRPA1 is on the minus strand). VCF-style: chr8-72075362-C-A. GRCh37 (hg19) VCF-style: chr8-72987597-C-A.
Other names: short protein forms E16D.
Identifiers: ClinVar variation 4875042 (VCV004875042.2).

ClinVar aggregate classification (germline): Uncertain significance (1 of 4 stars; one submission).

gnomAD v4.1: 1 of 1,612,360 alleles (0.000062%); highest among the groups gnomAD compares: Non-Finnish European, 0.000085%; no homozygotes.

Submission:

CeGaT Center for Human Genetics Tuebingen
Classification: Uncertain significance. Last evaluated: 2026-06-01. Review status: criteria provided, single submitter. Criteria: CeGaT Center For Human Genetics Tuebingen Variant Classification Criteria Version 2. Collection method: clinical testing. Allele origin: germline. Affected: yes. Observed: 1 variant allele.
Comment: TRPA1: PM2, BP4